The following is an entry in ClinVar:

NM_206933.4(USH2A):c.6233C>G (p.Pro2078Arg)

Gene: USH2A (usherin; minus strand). Cytogenetic location: 1q41.
Variant type: single nucleotide variant.
Coding change: c.6233C>G on transcript NM_206933.4 (MANE Select); coding-DNA position 6233, C replaced by G.
Protein change: p.Pro2078Arg; replaces proline 2078 with arginine.
Molecular consequence: missense variant.
Genome position (GRCh38, 1-based): chr1:216,046,523, G>C on the plus strand (C>G on the coding strand, the complement: USH2A is on the minus strand). VCF-style: chr1-216046523-G-C. GRCh37 (hg19) VCF-style: chr1-216219865-G-C.
Other names: short protein forms P2078R.
Identifiers: ClinVar variation 166488 (VCV000166488.49), dbSNP rs150230450, ClinGen allele CA179550.
Genomic context (GRCh38, chr1:216,046,523, plus strand): 5'-TAGATCAGCCTCCCATCCATGTATAAACAGTACTGAGTTATAATACCATTTGCCTTTTTG[G>C]GTGGGTTCCAGGAGAGCAGCAAAGAACTGGGAAGGGATTTGGCTACTGGTGGCTGAACCT-3'
Protein context (NP_996816.3, residues 2068-2088): PSSLLLSWNP[Pro2078Arg]KKANGIITQY

ClinVar aggregate classification (germline): Uncertain significance. Review status: reviewed by expert panel (3 of 4 stars). 11 submissions from 11 submitters: Uncertain significance (1). 10 of the submissions do not count toward it. Last evaluated 2025-01-15.

Conditions:
Usher syndrome. Also called: Usher Syndromes; Usher's syndrome. Identifiers: Orphanet 886, MedGen CN469326, MeSH D052245, MONDO:0019501. Disease mechanism: loss of function.
USH2A-related disorder. Also called: USH2A-related condition; USH2A-related disorders. Identifiers: MedGen CN239332.
Usher syndrome type 2A. Also called: USHER SYNDROME, TYPE IIA; RETINAL DISEASE IN USHER SYNDROME TYPE IIA, MODIFIER OF. Identifiers: Orphanet 231178, Orphanet 886, MedGen C1848634, MONDO:0010169, OMIM 276901.
Retinitis pigmentosa 39 (RP39). Identifiers: Orphanet 791, MedGen C3151138, MONDO:0013436, OMIM 613809.
Retinitis pigmentosa (RP). Identifiers: Orphanet 791, MedGen C0035334, MeSH D012174, MONDO:0019200, OMIM 268000. Inheritance: Autosomal dominant, autosomal recessive and X linked inheritance.

Allele frequency attached by ClinVar (database versions not stated): ESP Exome Variant Server 0.00008; TOPMed 0.00010; ExAC 0.00016; gnomAD exomes 0.00023.
gnomAD v4.1: 195 of 1,613,650 alleles (0.012%); highest among the groups gnomAD compares: African/African-American, 0.0027%; 2 homozygotes.

Submissions (11):

ClinGen Hearing Loss Variant Curation Expert Panel
Classification: Uncertain significance for Usher syndrome. Last evaluated: 2025-01-15. Review status: reviewed by expert panel. Criteria: Clingen Hl Acmg Specifications Cdh23 Coch Gjb2 Kcnq4 Myo6 Myo7a Slc26a4 Tecta Ush2a V2. Collection method: curation. Allele origin: germline. Inheritance: Autosomal recessive inheritance.
Comment: The c.6233C>G (p.Pro2078Arg) variant in USH2A was present in 0.4% (lower bound of the 95% CI of 50/10070) of Ashkenazi Jewish alleles in gnomAD v4. However, the next highest population frequency (aside from in the "remaining" group in gnomAD) was 0.002458% (29/1179812) of non-Finnish European alleles in gnomAD v4. Because this variant is likely a founder population in the AJ population, BS1 was downgraded to BS1_Supporting. The p.Pro2078Arg variant was detected in one proband with retinitis pigmentosa and the pathogenic variant in USH2A c.12067-2A>G but phase unknown (PM3_Supporting; Hadassah-Hebrew University Medical Center internal data, ClinVar SCV001161352.1, PMID:31456290). It has also been seen in at least 8 probands without a second variant identified in USH2A (Laboratory for Molecular Medicine, Invitae internal data, GeneDx, ClinVar SCV000201902.5, SCV001068267.2, SCV005078111.1). The REVEL computational prediction tool produced a score of 0.702, which is above the threshold necessary to apply PP3. In summary, the clinical significance of this variant is uncertain. ACMG/AMP criteria applied, as specified by the Hearing Loss Expert Panel: BS1_Supporting, PM3_Supporting, PP3 (ClinGen Hearing Loss VCEP specifications version 2; 1.15.2025).

GeneDx
Classification: Uncertain significance. Last evaluated: 2026-09-02. Review status: criteria provided, single submitter. Criteria: GeneDx Variant Classification Process June 2021. Collection method: clinical testing. Allele origin: germline. Not counted in ClinVar's aggregate classification.
Comment: Reported in association with retinitis pigmentosa in the published literature; however, limited clinical and segregation information was provided (PMID: 31456290); In silico analysis supports that this missense variant has a deleterious effect on protein structure/function; This variant is associated with the following publications: (PMID: 31456290)

PreventionGenetics, part of Exact Sciences
Classification: Uncertain significance for USH2A-related condition. Last evaluated: 2026-01-06. Review status: criteria provided, single submitter. Criteria: ACMG Guidelines, 2015. Collection method: clinical testing. Allele origin: germline. Not counted in ClinVar's aggregate classification.
Comment: The USH2A c.6233C>G variant is predicted to result in the amino acid substitution p.Pro2078Arg. This variant was reported in a cohort with Retinitis pigmentosa, however information about presence or absence of second variant was not provided (Sharon et al. 2020. PubMed ID: 31456290). This variant is reported in 0.50% of alleles in individuals of Ashkenazi Jewish descent in gnomAD, which may be high for causative variant. Although we suspect that this variant may be benign, at this time, the clinical significance of this variant is uncertain due to the absence of conclusive functional and genetic evidence.

Labcorp Genetics (formerly Invitae), Labcorp
Classification: Likely benign. Last evaluated: 2025-12-19. Review status: criteria provided, single submitter. Criteria: Invitae Variant Classification Sherloc (09022015). Collection method: clinical testing. Allele origin: germline. Not counted in ClinVar's aggregate classification.

Women's Health and Genetics/Laboratory Corporation of America, LabCorp
Classification: Uncertain significance. Last evaluated: 2025-07-10. Review status: criteria provided, single submitter. Criteria: LabCorp Variant Classification Summary - May 2015. Collection method: clinical testing. Allele origin: germline. Not counted in ClinVar's aggregate classification.
Comment: Variant summary: USH2A c.6233C>G (p.Pro2078Arg) results in a non-conservative amino acid change in the encoded protein sequence. Algorithms developed to predict the effect of missense changes on protein structure and function all suggest that this variant is likely to be disruptive. The variant allele was found at a frequency of 0.00023 in 251166 control chromosomes. This frequency is not significantly higher than estimated for a pathogenic variant in USH2A causing Usher Syndrome (0.00023 vs 0.011), allowing no conclusion about variant significance. c.6233C>G has been observed in one individual affected with Inherited retinal diseases (retinitis pigmentosa), without strong evidence for causality (Sharon_2020). These report(s) do not provide unequivocal conclusions about association of the variant with Usher Syndrome. To our knowledge, no experimental evidence demonstrating an impact on protein function has been reported. The following publication has been ascertained in the context of this evaluation (PMID: 31456290). ClinVar contains an entry for this variant (Variation ID: 166488). Based on the evidence outlined above, the variant was classified as uncertain significance.

Blueprint Genetics
Classification: Uncertain significance. Last evaluated: 2024-09-18. Review status: criteria provided, single submitter. Criteria: ACMG Guidelines, 2015. Collection method: clinical testing. Allele origin: germline. Not counted in ClinVar's aggregate classification.

CeGaT Center for Human Genetics Tuebingen
Classification: Uncertain significance. Last evaluated: 2023-07-01. Review status: criteria provided, single submitter. Criteria: CeGaT Center For Human Genetics Tuebingen Variant Classification Criteria Version 2. Collection method: clinical testing. Allele origin: germline. Affected: yes. Observed: 1 variant allele. Not counted in ClinVar's aggregate classification.

Laboratory for Molecular Medicine, Mass General Brigham Personalized Medicine
Classification: Uncertain significance. Last evaluated: 2013-10-17. Review status: criteria provided, single submitter. Criteria: LMM Criteria. Collection method: clinical testing. Allele origin: germline. Observed: 2 variant alleles. Not counted in ClinVar's aggregate classification.
Comment: The Pro2078Arg variant in USH2A has not been reported in individuals with hearin g loss, but has been identified in 0.02% (1/4406) of African American chromosome s by the NHLBI Exome Sequencing Project (dbSN P rs150230450). Computational analyses (biochemical amino acid properties, conse rvation, AlignGVGD, PolyPhen2, and SIFT) suggest that the Pro2078Arg variant may impact the protein, though this information is not predictive enough to determi ne pathogenicity. In summary, additional data is needed to determine the clinica l significance of this variant.

Natera, Inc.
Classification: Uncertain significance for Usher syndrome type 2A. Last evaluated: 2020-01-17. Review status: no assertion criteria provided. Collection method: clinical testing. Allele origin: germline. Not counted in ClinVar's aggregate classification.

Sharon lab, Hadassah-Hebrew University Medical Center
Classification: Likely pathogenic for Retinitis pigmentosa. Last evaluated: 2019-06-23. Review status: no assertion criteria provided. Collection method: research. Allele origin: inherited. Affected: yes. Not counted in ClinVar's aggregate classification.

Counsyl
Classification: Uncertain significance for Usher syndrome type 2A; Retinitis pigmentosa 39. Last evaluated: 2016-12-27. Review status: no assertion criteria provided. Collection method: clinical testing. Allele origin: unknown. Not counted in ClinVar's aggregate classification.

Literature cited by the submitters: PubMed 31456290 (cited by Women's Health and Genetics/Laboratory Corporation of America, LabCorp).